The following is an entry in ClinVar:

ClinVar aggregate classification (germline): Uncertain significance (1 of 4 stars; one submission).

Conditions:
Pheochromocytoma. Also called: MAX-Related Hereditary Paraganglioma-Pheochromocytoma Syndrome. Identifiers: Orphanet 29072, MedGen C0031511, MONDO:0008233, OMIM 171300, HP:0002666.
Gastrointestinal stromal tumor. Also called: Gastrointestinal stromal tumor, somatic; Gastrointestinal stroma tumor. Identifiers: Orphanet 44890, MedGen C0238198, MeSH D046152, MONDO:0011719, OMIM 606764, HP:0100723.
Pheochromocytoma/paraganglioma syndrome 4. Also called: CAROTID BODY TUMORS AND MULTIPLE EXTRAADRENAL PHEOCHROMOCYTOMAS; PARAGANGLIOMA, FAMILIAL MALIGNANT; PARAGANGLIOMAS, HEREDITARY EXTRAADRENAL; PHEOCHROMOCYTOMA, FAMILIAL EXTRAADRENAL; Paragangliomas 4; SDHB-Related Hereditary Paraganglioma-Pheochromocytoma Syndrome (Paragangliomas 4). Identifiers: Orphanet 29072, MedGen C1861848, MONDO:0007273, OMIM 115310.

Submission:

Labcorp Genetics (formerly Invitae), Labcorp
Classification: Uncertain significance for Gastrointestinal stromal tumor; Pheochromocytoma/paraganglioma syndrome 4; Pheochromocytoma. Last evaluated: 2023-07-19. Review status: criteria provided, single submitter. Criteria: Invitae Variant Classification Sherloc (09022015). Collection method: clinical testing. Allele origin: germline.
Comment: This sequence change replaces lysine, which is basic and polar, with arginine, which is basic and polar, at codon 167 of the SDHB protein (p.Lys167Arg). This variant is not present in population databases (gnomAD no frequency). This variant has not been reported in the literature in individuals affected with SDHB-related conditions. Advanced modeling of protein sequence and biophysical properties (such as structural, functional, and spatial information, amino acid conservation, physicochemical variation, residue mobility, and thermodynamic stability) performed at Invitae indicates that this missense variant is not expected to disrupt SDHB protein function. In summary, the available evidence is currently insufficient to determine the role of this variant in disease. Therefore, it has been classified as a Variant of Uncertain Significance.

NM_003000.3(SDHB):c.500A>G (p.Lys167Arg)

Gene: SDHB (succinate dehydrogenase complex iron sulfur subunit B; minus strand). Cytogenetic location: 1p36.13.
Variant type: single nucleotide variant.
Coding change: c.500A>G on transcript NM_003000.3 (MANE Select); coding-DNA position 500, A replaced by G.
Protein change: p.Lys167Arg; replaces lysine 167 with arginine.
Molecular consequence: missense variant.
Genome position (GRCh38, 1-based): chr1:17,027,789, T>C on the plus strand (A>G on the coding strand, the complement: SDHB is on the minus strand). VCF-style: chr1-17027789-T-C. GRCh37 (hg19) VCF-style: chr1-17354284-T-C.
Other names: c.446A>G, p.Lys149Arg (NM_001407361.1); short protein forms K167R, K149R.
Identifiers: ClinVar variation 2950080 (VCV002950080.3), dbSNP rs2525017660, ClinGen allele CA338272692.
Genomic context (GRCh38, chr1:17,027,789, plus strand): 5'-AATAAATAGGGACTAATGACCAGTTTCTCACGCTCTTCTATGGACTGCAGATACTGCTGC[T>C]TGCCTTCCTGAGATTCATCCTTCTTCTTCAAATAAGGCTCAATGGATTTGTACTGTGCAT-3'
Protein context (NP_002991.2, residues 157-177): LKKKDESQEG[Lys167Arg]QQYLQSIEER